The following is an entry in ClinVar:

NM_016204.4(GDF2):c.511G>C (p.Val171Leu)

Gene: GDF2 (growth differentiation factor 2; plus strand). Cytogenetic location: 10q11.22.
Variant type: single nucleotide variant.
Coding change: c.511G>C on transcript NM_016204.4 (MANE Select); coding-DNA position 511, G replaced by C.
Protein change: p.Val171Leu; replaces valine 171 with leucine.
Molecular consequence: missense variant.
Genome position (GRCh38, 1-based): chr10:47,325,005, G>C. VCF-style: chr10-47325005-G-C. GRCh37 (hg19) VCF-style: chr10-48414357-C-G.
Other names: short protein forms V171L.
Identifiers: ClinVar variation 5022260 (VCV005022260.1).

ClinVar aggregate classification (germline): Uncertain significance (1 of 4 stars; one submission).

Conditions:
Cardiovascular phenotype. Identifiers: MedGen CN230736.

Submission:

Ambry Genetics
Classification: Uncertain significance for Cardiovascular phenotype. Last evaluated: 2026-07-26. Review status: criteria provided, single submitter. Criteria: Ambry Variant Classification Scheme 2023. Collection method: clinical testing. Allele origin: germline.
Comment: The p.V171L variant (also known as c.511G>C), located in coding exon 2 of the GDF2 gene, results from a G to C substitution at nucleotide position 511. The valine at codon 171 is replaced by leucine, an amino acid with highly similar properties. This amino acid position is conserved. Based on the available evidence, the clinical significance of this variant remains unclear.